The following is an entry in ClinVar:

NM_001377540.1(SLMAP):c.520-4C>G

Gene: SLMAP (sarcolemma associated protein; plus strand). Cytogenetic location: 3p14.3.
Variant type: single nucleotide variant.
Coding change: c.520-4C>G on transcript NM_001377540.1 (MANE Select); 4 bases into the intron before coding-DNA position 520, C replaced by G.
Molecular consequence: intron variant.
Genome position (GRCh38, 1-based): chr3:57,857,729, C>G. VCF-style: chr3-57857729-C-G. GRCh37 (hg19) VCF-style: chr3-57843456-C-G.
Other names: c.520-4C>G (NM_001377538.1, NM_001377539.1, NM_001377555.1 and 17 more transcripts).
Identifiers: ClinVar variation 4727624 (VCV004727624.1).

ClinVar aggregate classification (germline): Uncertain significance (1 of 4 stars; one submission).

Conditions:
Brugada syndrome. Also called: Sudden unexpected nocturnal death syndrome; Sudden Unexplained Nocturnal Death Syndrome (SUNDS); Sudden unexplained nocturnal death syndrome; Sudden Unexplained Death Syndrome. Identifiers: Orphanet 130, MedGen C1142166, MONDO:0015263.

Submission:

Labcorp Genetics (formerly Invitae), Labcorp
Classification: Uncertain significance for Brugada syndrome. Last evaluated: 2025-09-22. Review status: criteria provided, single submitter. Criteria: Invitae Variant Classification Sherloc (09022015). Collection method: clinical testing. Allele origin: germline.
Comment: This sequence change falls in intron 5 of the SLMAP gene. It does not directly change the encoded amino acid sequence of the SLMAP protein. This variant is not present in population databases (gnomAD no frequency). This variant has not been reported in the literature in individuals affected with SLMAP-related conditions. Algorithms developed to predict the effect of sequence changes on RNA splicing suggest that this variant may disrupt the consensus splice site. In summary, the available evidence is currently insufficient to determine the role of this variant in disease. Therefore, it has been classified as a Variant of Uncertain Significance.